The following is an entry in ClinVar:

NM_000089.4(COL1A2):c.3676G>A (p.Val1226Ile)

Gene: COL1A2 (collagen type I alpha 2 chain; plus strand). Cytogenetic location: 7q21.3.
Variant type: single nucleotide variant.
Coding change: c.3676G>A on transcript NM_000089.4 (MANE Select); coding-DNA position 3676, G replaced by A.
Protein change: p.Val1226Ile; replaces valine 1226 with isoleucine.
Molecular consequence: missense variant.
Genome position (GRCh38, 1-based): chr7:94,428,442, G>A. VCF-style: chr7-94428442-G-A. GRCh37 (hg19) VCF-style: chr7-94057754-G-A.
Other names: short protein forms V1226I.
Identifiers: ClinVar variation 1301419 (VCV001301419.9), dbSNP rs777501717, ClinGen allele CA4347813.

ClinVar aggregate classification (germline): Conflicting classifications of pathogenicity. Review status: criteria provided, conflicting classifications (1 of 4 stars). 4 submissions from 4 submitters: Uncertain significance (2); Likely benign (1). 1 of the submissions does not count toward it. Last evaluated 2025-12-23.

Conditions:
Cardiovascular phenotype. Identifiers: MedGen CN230736.
COL1A2-related disorder. Also called: COL1A2-related condition; COL1A2-Related Disorders.
Osteogenesis imperfecta type I (OI1). Also called: OI, TYPE I; OSTEOGENESIS IMPERFECTA TARDA; OSTEOGENESIS IMPERFECTA WITH BLUE SCLERAE; Osteogenesis imperfecta type 1; Lobstein's Disease; Lobstein disease. Identifiers: Orphanet 216796, Orphanet 666, MedGen C0023931, MONDO:0008146, OMIM 166200. Disease mechanism: loss of function.
Ehlers-Danlos syndrome, classic type, 1 (EDSCL1). Also called: EHLERS-DANLOS SYNDROME, GRAVIS TYPE; EHLERS-DANLOS SYNDROME, SEVERE CLASSIC TYPE; Ehlers-Danlos syndrome, type 1; EDS I; Ehlers-Danlos Syndrome, Classic Type, COL5A1-Related. Identifiers: MedGen C0268335, MONDO:0019567, OMIM 130000.

Allele frequency attached by ClinVar (database versions not stated): gnomAD 0.00008 and 0.00007; TOPMed 0.00009.

Submissions (4):

Labcorp Genetics (formerly Invitae), Labcorp
Classification: Uncertain significance for Osteogenesis imperfecta type I; Ehlers-Danlos syndrome, classic type, 1. Last evaluated: 2025-12-23. Review status: criteria provided, single submitter. Criteria: Invitae Variant Classification Sherloc (09022015). Collection method: clinical testing. Allele origin: germline.
Comment: This sequence change replaces valine, which is neutral and non-polar, with isoleucine, which is neutral and non-polar, at codon 1226 of the COL1A2 protein (p.Val1226Ile). This variant is present in population databases (rs777501717, gnomAD 0.01%). This variant has not been reported in the literature in individuals affected with COL1A2-related conditions. ClinVar contains an entry for this variant (Variation ID: 1301419). Invitae Evidence Modeling of protein sequence and biophysical properties (such as structural, functional, and spatial information, amino acid conservation, physicochemical variation, residue mobility, and thermodynamic stability) indicates that this missense variant is not expected to disrupt COL1A2 protein function with a negative predictive value of 95%. In summary, the available evidence is currently insufficient to determine the role of this variant in disease. Therefore, it has been classified as a Variant of Uncertain Significance.

Ambry Genetics
Classification: Likely benign for Cardiovascular phenotype. Last evaluated: 2024-09-12. Review status: criteria provided, single submitter. Criteria: Ambry Variant Classification Scheme 2023. Collection method: clinical testing. Allele origin: germline.

GeneDx
Classification: Uncertain significance. Last evaluated: 2021-10-18. Review status: criteria provided, single submitter. Criteria: GeneDx Variant Classification Process June 2021. Collection method: clinical testing. Allele origin: germline. Affected: yes.
Comment: Has not been previously published as pathogenic or benign to our knowledge; Not located in the triple helical region, where the majority of pathogenic missense variants occur (Stenson et al., 2014); In silico analysis supports that this missense variant does not alter protein structure/function

PreventionGenetics, part of Exact Sciences
Classification: Uncertain significance for COL1A2-related condition. Last evaluated: 2024-03-06. Review status: no assertion criteria provided. Collection method: clinical testing. Allele origin: germline. Not counted in ClinVar's aggregate classification.
Comment: The COL1A2 c.3676G>A variant is predicted to result in the amino acid substitution p.Val1226Ile. To our knowledge, this variant has not been reported in the literature. This variant is reported in 0.014% of alleles in individuals of Latino descent in gnomAD. This variant could be benign. At this time, the clinical significance of this variant is uncertain due to the absence of conclusive functional and genetic evidence.